The following is an entry in ClinVar:

NM_013275.6(ANKRD11):c.6234C>G (p.Asp2078Glu)

Gene: ANKRD11 (ankyrin repeat domain 11; minus strand). Cytogenetic location: 16q24.3.
Variant type: single nucleotide variant.
Coding change: c.6234C>G on transcript NM_013275.6 (MANE Select); coding-DNA position 6234, C replaced by G.
Protein change: p.Asp2078Glu; replaces aspartic acid 2078 with glutamic acid.
Molecular consequence: missense variant.
Genome position (GRCh38, 1-based): chr16:89,280,308, G>C on the plus strand (C>G on the coding strand, the complement: ANKRD11 is on the minus strand). VCF-style: chr16-89280308-G-C. GRCh37 (hg19) VCF-style: chr16-89346716-G-C.
Other names: c.6234C>G, p.Asp2078Glu (NM_001256182.2, NM_001256183.2); short protein forms D2078E.
Identifiers: ClinVar variation 5040243 (VCV005040243.1).

ClinVar aggregate classification (germline): Uncertain significance (1 of 4 stars; one submission).

Submission:

CeGaT Center for Human Genetics Tuebingen
Classification: Uncertain significance. Last evaluated: 2026-07-01. Review status: criteria provided, single submitter. Criteria: CeGaT Center For Human Genetics Tuebingen Variant Classification Criteria Version 2. Collection method: clinical testing. Allele origin: germline. Affected: yes. Observed: 1 variant allele.
Comment: ANKRD11: PM2, BP4